The following is an entry in ClinVar:

ClinVar aggregate classification (germline): Pathogenic (1 of 4 stars; one submission).

Conditions:
DICER1-related tumor predisposition. Also called: DICER1-related pleuropulmonary blastoma cancer predisposition syndrome; DICER1 syndrome. Identifiers: Orphanet 284343, MedGen C3839822, MONDO:0100216.

Submission:

Foulkes Cancer Genetics LDI, Lady Davis Institute for Medical Research
Classification: Pathogenic for Pleuropulmonary blastoma. Last evaluated: 2019-07-01. Review status: criteria provided, single submitter. Criteria: ACMG Guidelines, 2015. Collection method: curation. Allele origin: germline. Affected: yes and no. Observed: 5 variant alleles.
Comment: ACMG criteria met: PVS1, PM2, PP4

Literature cited by the submitters: PubMed 29633305.

NM_177438.3(DICER1):c.4440_4442dup (p.Trp1481Ter)

Gene: DICER1 (dicer 1, ribonuclease III; minus strand). Cytogenetic location: 14q32.13.
Variant type: Duplication.
Coding change: c.4440_4442dup on transcript NM_177438.3 (MANE Select); coding-DNA positions 4440 to 4442, 3 bases duplicated (ATG; older notation c.4440_4442dupATG).
Protein change: p.Trp1481Ter; replaces tryptophan 1481 with a stop codon.
Molecular consequence: nonsense.
Genome position (GRCh38, 1-based): chr14:95,096,478-95,096,480, CAT duplicated on the plus strand (ATG on the coding strand, the reverse complement: DICER1 is on the minus strand). VCF-style (leftmost placement, unchanged base first): chr14-95096477-C-CCAT. GRCh37 (hg19) VCF-style: chr14-95562814-C-CCAT.
Other names: c.4440_4442dup, p.Trp1481Ter (NM_001195573.1, NM_001271282.3, NM_001291628.2 and 1 more transcripts); short protein forms W1481*.
Identifiers: ClinVar variation 933075 (VCV000933075.3), dbSNP rs1890349244, ClinGen allele CA1139663701.